The following is an entry in ClinVar:

NM_016233.2(PADI3):c.1524C>T (p.His508=)

Gene: PADI3 (peptidyl arginine deiminase 3; plus strand). Cytogenetic location: 1p36.13.
Variant type: single nucleotide variant.
Coding change: c.1524C>T on transcript NM_016233.2 (MANE Select); coding-DNA position 1524, C replaced by T.
Protein change: p.His508=; no amino-acid change (histidine 508 retained).
Molecular consequence: synonymous variant.
Genome position (GRCh38, 1-based): chr1:17,276,845, C>T. VCF-style: chr1-17276845-C-T. GRCh37 (hg19) VCF-style: chr1-17603340-C-T.
Identifiers: ClinVar variation 3388076 (VCV003388076.15).

ClinVar aggregate classification (germline): Likely benign. Review status: criteria provided, multiple submitters, no conflicts (2 of 4 stars). 2 submissions from 2 submitters: Likely benign (2). Last evaluated 2024-11-21.

gnomAD v4.1: 9,457 of 1,613,198 alleles (0.59%); highest among the groups gnomAD compares: Non-Finnish European, 0.69%; 36 homozygotes.

Submissions (2):

Blueprint Genetics
Classification: Likely benign. Last evaluated: 2024-11-21. Review status: criteria provided, single submitter. Criteria: ACMG Guidelines, 2015. Collection method: clinical testing. Allele origin: germline.

CeGaT Center for Human Genetics Tuebingen
Classification: Likely benign. Last evaluated: 2024-10-01. Review status: criteria provided, single submitter. Criteria: CeGaT Center For Human Genetics Tuebingen Variant Classification Criteria Version 2. Collection method: clinical testing. Allele origin: germline. Affected: yes. Observed: 1 variant allele.
Comment: PADI3: BP4, BP7, BS2